The following is an entry in ClinVar:

ClinVar aggregate classification (germline): Likely benign (0 of 4 stars; one submission).

Conditions:
NCOR2-related disorder. Also called: NCOR2-related condition.

Allele frequency attached by ClinVar (database versions not stated): 1000 Genomes Project 0.00020; 1000 Genomes Project 30x 0.00031; ExAC 0.00062.
gnomAD v4.1: 446 of 1,571,598 alleles (0.028%); highest among the groups gnomAD compares: Admixed American, 0.15%; 1 homozygote.

Submission:

PreventionGenetics, part of Exact Sciences
Classification: Likely benign for NCOR2-related condition. Last evaluated: 2019-07-03. Review status: no assertion criteria provided. Collection method: clinical testing. Allele origin: germline.
Comment: This variant is classified as likely benign based on ACMG/AMP sequence variant interpretation guidelines (Richards et al. 2015 PMID: 25741868, with internal and published modifications).

NM_006312.6(NCOR2):c.4458C>T (p.Pro1486=)

Gene: NCOR2 (nuclear receptor corepressor 2; minus strand). Cytogenetic location: 12q24.31.
Variant type: single nucleotide variant.
Coding change: c.4458C>T on transcript NM_006312.6 (MANE Select); coding-DNA position 4458, C replaced by T.
Protein change: p.Pro1486=; no amino-acid change (proline 1486 retained).
Molecular consequence: synonymous variant.
Genome position (GRCh38, 1-based): chr12:124,344,853, G>A on the plus strand (C>T on the coding strand, the complement: NCOR2 is on the minus strand). VCF-style: chr12-124344853-G-A. GRCh37 (hg19) VCF-style: chr12-124829399-G-A.
Other names: c.4428C>T, p.Pro1476= (NM_001077261.4, NM_001206654.2).
Identifiers: ClinVar variation 3042547 (VCV003042547.2), dbSNP rs560814961, ClinGen allele CA6868248.